The following is an entry in ClinVar:

ClinVar aggregate classification (germline): Likely benign. Review status: criteria provided, multiple submitters, no conflicts (2 of 4 stars). 3 submissions from 3 submitters: Likely benign (2). 1 of the submissions does not count toward it. Last evaluated 2025-12-14.

Conditions:
MAK-related disorder. Also called: MAK-related condition.

Allele frequency attached by ClinVar (database versions not stated): 1000 Genomes Project 30x 0.00094; 1000 Genomes Project 0.00100.
gnomAD v4.1: 172 of 1,613,968 alleles (0.011%); highest among the groups gnomAD compares: South Asian, 0.18%; 1 homozygote.

Submissions (3):

Labcorp Genetics (formerly Invitae), Labcorp
Classification: Likely benign. Last evaluated: 2025-12-14. Review status: criteria provided, single submitter. Criteria: Invitae Variant Classification Sherloc (09022015). Collection method: clinical testing. Allele origin: germline.

Blueprint Genetics
Classification: Likely benign. Last evaluated: 2022-07-01. Review status: criteria provided, single submitter. Criteria: ACMG Guidelines, 2015. Collection method: clinical testing. Allele origin: germline.

PreventionGenetics, part of Exact Sciences
Classification: Likely benign for MAK-related condition. Last evaluated: 2024-09-18. Review status: no assertion criteria provided. Collection method: clinical testing. Allele origin: germline. Not counted in ClinVar's aggregate classification.
Comment: This variant is classified as likely benign based on ACMG/AMP sequence variant interpretation guidelines (Richards et al. 2015 PMID: 25741868, with internal and published modifications).

NM_001242957.3(MAK):c.1815T>A (p.Thr605=)

Gene: MAK (male germ cell associated kinase; minus strand). Cytogenetic location: 6p24.2.
Variant type: single nucleotide variant.
Coding change: c.1815T>A on transcript NM_001242957.3 (MANE Select); coding-DNA position 1815, T replaced by A.
Protein change: p.Thr605=; no amino-acid change (threonine 605 retained).
Molecular consequence: synonymous variant. On other transcripts: non-coding transcript variant (2).
Genome position (GRCh38, 1-based): chr6:10,764,584, A>T on the plus strand (T>A on the coding strand, the complement: MAK is on the minus strand). VCF-style: chr6-10764584-A-T. GRCh37 (hg19) VCF-style: chr6-10764817-A-T.
Other names: c.1620T>A, p.Thr540= (NM_001242385.2); c.1518T>A, p.Thr506= (NM_001377262.1); c.1740T>A, p.Thr580= (NM_005906.6); c.1815T>A (NM_001242957.2).
Identifiers: ClinVar variation 1589989 (VCV001589989.10), dbSNP rs570463236, ClinGen allele CA3633333.